The following is an entry in ClinVar:

NM_006904.7(PRKDC):c.3455G>A (p.Arg1152His)

Gene: PRKDC (protein kinase, DNA-activated, catalytic subunit; minus strand). Cytogenetic location: 8q11.21.
Variant type: single nucleotide variant.
Coding change: c.3455G>A on transcript NM_006904.7 (MANE Select); coding-DNA position 3455, G replaced by A.
Protein change: p.Arg1152His; replaces arginine 1152 with histidine.
Molecular consequence: missense variant.
Genome position (GRCh38, 1-based): chr8:47,898,479, C>T on the plus strand (G>A on the coding strand, the complement: PRKDC is on the minus strand). VCF-style: chr8-47898479-C-T. GRCh37 (hg19) VCF-style: chr8-48811039-C-T.
Other names: c.3455G>A, p.Arg1152His (NM_001081640.2); short protein forms R1152H.
Identifiers: ClinVar variation 2172527 (VCV002172527.2), dbSNP rs751701895, ClinGen allele CA4741186.

ClinVar aggregate classification (germline): Uncertain significance (1 of 4 stars; one submission).

Conditions:
Severe combined immunodeficiency due to DNA-PKcs deficiency. Also called: IMMUNODEFICIENCY 26 WITH NEUROLOGIC ABNORMALITIES; Immunodeficiency 26 with or without neurologic abnormalities. Identifiers: Orphanet 317425, MedGen C4014833, MONDO:0014423, OMIM 615966.

Allele frequency attached by ClinVar (database versions not stated): gnomAD exomes below 0.00001; TOPMed 0.00001; gnomAD 0.00002; ExAC 0.00004.
gnomAD v4.1: 7 of 1,554,284 alleles (0.00045%); highest among the groups gnomAD compares: Non-Finnish European, 0.00044%; no homozygotes.

Submission:

Labcorp Genetics (formerly Invitae), Labcorp
Classification: Uncertain significance for Severe combined immunodeficiency due to DNA-PKcs deficiency. Last evaluated: 2022-08-01. Review status: criteria provided, single submitter. Criteria: Invitae Variant Classification Sherloc (09022015). Collection method: clinical testing. Allele origin: germline.
Comment: This sequence change replaces arginine, which is basic and polar, with histidine, which is basic and polar, at codon 1152 of the PRKDC protein (p.Arg1152His). The frequency data for this variant in the population databases is considered unreliable, as metrics indicate poor data quality at this position in the gnomAD database. This variant has not been reported in the literature in individuals affected with PRKDC-related conditions. Experimental studies and prediction algorithms are not available or were not evaluated, and the functional significance of this variant is currently unknown. In summary, the available evidence is currently insufficient to determine the role of this variant in disease. Therefore, it has been classified as a Variant of Uncertain Significance.